The following is an entry in ClinVar:

NM_001083962.2(TCF4):c.1026A>G (p.Ser342=)

Gene: TCF4 (transcription factor 4; minus strand). Cytogenetic location: 18q21.2.
Variant type: single nucleotide variant.
Coding change: c.1026A>G on transcript NM_001083962.2 (MANE Select); coding-DNA position 1026, A replaced by G.
Protein change: p.Ser342=; no amino-acid change (serine 342 retained).
Molecular consequence: synonymous variant.
Genome position (GRCh38, 1-based): chr18:55,259,992, T>C on the plus strand (A>G on the coding strand, the complement: TCF4 is on the minus strand). VCF-style: chr18-55259992-T-C. GRCh37 (hg19) VCF-style: chr18-52927223-T-C.
Other names: c.951A>G, p.Ser317= (NM_001348220.1, NM_001369576.1, NM_001369578.1 and 3 more transcripts); c.1026A>G, p.Ser342= (NM_001369567.1, NM_001369568.1, NM_001369571.1 and 4 more transcripts); c.1023A>G, p.Ser341= (NM_001369569.1, NM_001369570.1, NM_001369573.1); c.954A>G, p.Ser318= (NM_001369575.1, NM_001369577.1, NM_001369579.1 and 9 more transcripts); c.1332A>G, p.Ser444= (NM_001243226.3); c.1044A>G, p.Ser348= (NM_001243228.2); c.1020A>G, p.Ser340= (NM_001243230.2); c.900A>G, p.Ser300= (NM_001243231.2, NM_001348211.2); and 4 more.
Identifiers: ClinVar variation 2571015 (VCV002571015.27), dbSNP rs2512250748, ClinGen allele CA504008120.
Genomic context (GRCh38, chr18:55,259,992, plus strand): 5'-GATTTGAAATACACTACCTGAGAGAGATGGAGGAGAGCCAACAGGAGTTGAAGGGTTTGA[T>C]GAAAAGCTGTTGTTAGTGTGATCTGGAGAATAGATCTTAAAACAATAAGGAGAAAAAAAA-3'
Protein context (NP_001077431.1, residues 332-352): YSPDHTNNSF[Ser342=]SNPSTPVGSP

ClinVar aggregate classification (germline): Likely benign (1 of 4 stars; one submission).

Submission:

CeGaT Center for Human Genetics Tuebingen
Classification: Likely benign. Last evaluated: 2023-06-01. Review status: criteria provided, single submitter. Criteria: CeGaT Center For Human Genetics Tuebingen Variant Classification Criteria Version 2. Collection method: clinical testing. Allele origin: germline. Affected: yes. Observed: 1 variant allele.
Comment: TCF4: PM2:Supporting, BP4, BP7